The following is an entry in ClinVar:

NM_001367624.2(ZNF469):c.9215G>A (p.Gly3072Asp)

Gene: ZNF469 (zinc finger protein 469; plus strand). Cytogenetic location: 16q24.2.
Variant type: single nucleotide variant.
Coding change: c.9215G>A on transcript NM_001367624.2 (MANE Select); coding-DNA position 9215, G replaced by A.
Protein change: p.Gly3072Asp; replaces glycine 3072 with aspartic acid.
Molecular consequence: missense variant.
Genome position (GRCh38, 1-based): chr16:88,436,685, G>A. VCF-style: chr16-88436685-G-A. GRCh37 (hg19) VCF-style: chr16-88503093-G-A.
Other names: NM_001127464.1:c.9131G>A; short protein forms G3072D.
Identifiers: ClinVar variation 2497314 (VCV002497314.5), dbSNP rs1024816121, ClinGen allele CA286385191.

ClinVar aggregate classification (germline): Conflicting classifications of pathogenicity. Review status: criteria provided, conflicting classifications (1 of 4 stars). 2 submissions from 2 submitters: Uncertain significance (1); Likely benign (1). Last evaluated 2025-04-18.

Conditions:
Cardiovascular phenotype. Identifiers: MedGen CN230736.

Allele frequency attached by ClinVar (database versions not stated): gnomAD exomes below 0.00001.
gnomAD v4.1: 9 of 1,550,242 alleles (0.00058%); highest among the groups gnomAD compares: East Asian, 0.0049%; no homozygotes.

Submissions (2):

Ambry Genetics
Classification: Likely benign for Cardiovascular phenotype. Last evaluated: 2025-04-18. Review status: criteria provided, single submitter. Criteria: Ambry Variant Classification Scheme 2023. Collection method: clinical testing. Allele origin: germline.

Labcorp Genetics (formerly Invitae), Labcorp
Classification: Uncertain significance. Last evaluated: 2024-11-04. Review status: criteria provided, single submitter. Criteria: Invitae Variant Classification Sherloc (09022015). Collection method: clinical testing. Allele origin: germline.
Comment: This sequence change replaces glycine, which is neutral and non-polar, with aspartic acid, which is acidic and polar, at codon 3044 of the ZNF469 protein (p.Gly3044Asp). This variant is present in population databases (no rsID available, gnomAD 0.004%). This variant has not been reported in the literature in individuals affected with ZNF469-related conditions. ClinVar contains an entry for this variant (Variation ID: 2497314). An algorithm developed to predict the effect of missense changes on protein structure and function outputs the following: PolyPhen-2: "Benign". The aspartic acid amino acid residue is found in multiple mammalian species, which suggests that this missense change does not adversely affect protein function. In summary, the available evidence is currently insufficient to determine the role of this variant in disease. Therefore, it has been classified as a Variant of Uncertain Significance.